The following is an entry in ClinVar:

NM_015629.4(PRPF31):c.652A>G (p.Asn218Asp)

Gene: PRPF31 (pre-mRNA processing factor 31; plus strand). Cytogenetic location: 19q13.42.
Variant type: single nucleotide variant.
Coding change: c.652A>G on transcript NM_015629.4 (MANE Select); coding-DNA position 652, A replaced by G.
Protein change: p.Asn218Asp; replaces asparagine 218 with aspartic acid.
Molecular consequence: missense variant.
Genome position (GRCh38, 1-based): chr19:54,123,873, A>G. VCF-style: chr19-54123873-A-G. GRCh37 (hg19) VCF-style: chr19-54627252-A-G.
Other names: c.652A>G (NM_015629.3); short protein forms N218D.
Identifiers: ClinVar variation 2824060 (VCV002824060.4), dbSNP rs2516145144, ClinGen allele CA407750867.

ClinVar aggregate classification (germline): Uncertain significance. Review status: criteria provided, multiple submitters, no conflicts (2 of 4 stars). 2 submissions from 2 submitters: Uncertain significance (2). Last evaluated 2024-02-23.

Conditions:
Inborn genetic diseases. Identifiers: MedGen C0950123, MeSH D030342.

Submissions (2):

Ambry Genetics
Classification: Uncertain significance for Inborn genetic diseases. Last evaluated: 2024-02-23. Review status: criteria provided, single submitter. Criteria: Ambry Variant Classification Scheme 2023. Collection method: clinical testing. Allele origin: germline.
Comment: The c.652A>G (p.N218D) alteration is located in exon 7 (coding exon 6) of the PRPF31 gene. This alteration results from an A to G substitution at nucleotide position 652, causing the asparagine (N) at amino acid position 218 to be replaced by an aspartic acid (D). This variant was not reported in population-based cohorts in the Genome Aggregation Database (gnomAD). This amino acid position is highly conserved in available vertebrate species. The in silico prediction for this alteration is inconclusive. Based on insufficient or conflicting evidence, the clinical significance of this alteration remains unclear.

Labcorp Genetics (formerly Invitae), Labcorp
Classification: Uncertain significance. Last evaluated: 2023-06-30. Review status: criteria provided, single submitter. Criteria: Invitae Variant Classification Sherloc (09022015). Collection method: clinical testing. Allele origin: germline.
Comment: In summary, the available evidence is currently insufficient to determine the role of this variant in disease. Therefore, it has been classified as a Variant of Uncertain Significance. An algorithm developed to predict the effect of missense changes on protein structure and function (PolyPhen-2) suggests that this variant is likely to be disruptive. This variant has not been reported in the literature in individuals affected with PRPF31-related conditions. This variant is not present in population databases (gnomAD no frequency). This sequence change replaces asparagine, which is neutral and polar, with aspartic acid, which is acidic and polar, at codon 218 of the PRPF31 protein (p.Asn218Asp).